The following is an entry in ClinVar:

ClinVar aggregate classification (germline): Uncertain significance. Review status: criteria provided, multiple submitters, no conflicts (2 of 4 stars). 3 submissions from 3 submitters: Uncertain significance (3). Last evaluated 2025-02-08.

Conditions:
MECOM-related disorder. Also called: MECOM-related condition.
Inborn genetic diseases. Identifiers: MedGen C0950123, MeSH D030342.

Allele frequency attached by ClinVar (database versions not stated): ExAC 0.00001; gnomAD 0.00001; gnomAD exomes 0.00001; TOPMed 0.00001.
gnomAD v4.1: 10 of 1,606,898 alleles (0.00062%); highest among the groups gnomAD compares: Middle Eastern, 0.017%; no homozygotes.

Submissions (3):

Ambry Genetics
Classification: Uncertain significance for Inborn genetic diseases. Last evaluated: 2025-02-08. Review status: criteria provided, single submitter. Criteria: Ambry Variant Classification Scheme 2023. Collection method: clinical testing. Allele origin: germline.
Comment: The p.V1180M variant (also known as c.3538G>A), located in coding exon 16 of the MECOM gene, results from a G to A substitution at nucleotide position 3538. The valine at codon 1180 is replaced by methionine, an amino acid with highly similar properties. This amino acid position is conserved. In addition, this alteration is predicted to be tolerated by in silico analysis. Based on the available evidence, the clinical significance of this variant remains unclear.

PreventionGenetics, part of Exact Sciences
Classification: Uncertain significance for MECOM-related condition. Last evaluated: 2025-02-05. Review status: criteria provided, single submitter. Criteria: ACMG Guidelines, 2015. Collection method: clinical testing. Allele origin: germline.
Comment: The MECOM c.2974G>A variant is predicted to result in the amino acid substitution p.Val992Met. To our knowledge, this variant has not been reported in the literature. This variant is reported in 1 out of 243876 alleles in gnomAD. At this time, the clinical significance of this variant is uncertain due to the absence of conclusive functional and genetic evidence.

Labcorp Genetics (formerly Invitae), Labcorp
Classification: Uncertain significance. Last evaluated: 2024-06-29. Review status: criteria provided, single submitter. Criteria: Invitae Variant Classification Sherloc (09022015). Collection method: clinical testing. Allele origin: germline.
Comment: This sequence change replaces valine, which is neutral and non-polar, with methionine, which is neutral and non-polar, at codon 992 of the MECOM protein (p.Val992Met). This variant is present in population databases (rs779341348, gnomAD no frequency). This variant has not been reported in the literature in individuals affected with MECOM-related conditions. ClinVar contains an entry for this variant (Variation ID: 2019201). An algorithm developed to predict the effect of missense changes on protein structure and function (PolyPhen-2) suggests that this variant is likely to be tolerated. In summary, the available evidence is currently insufficient to determine the role of this variant in disease. Therefore, it has been classified as a Variant of Uncertain Significance.

NM_004991.4(MECOM):c.3538G>A (p.Val1180Met)

Gene: MECOM (MDS1 and EVI1 complex locus; minus strand). Cytogenetic location: 3q26.2.
Variant type: single nucleotide variant.
Coding change: c.3538G>A on transcript NM_004991.4 (MANE Select); coding-DNA position 3538, G replaced by A.
Protein change: p.Val1180Met; replaces valine 1180 with methionine.
Molecular consequence: missense variant.
Genome position (GRCh38, 1-based): chr3:169,089,047, C>T on the plus strand (G>A on the coding strand, the complement: MECOM is on the minus strand). VCF-style: chr3-169089047-C-T. GRCh37 (hg19) VCF-style: chr3-168806835-C-T.
Other names: c.2974G>A (NM_001105078.3); c.3169G>A, p.Val1057Met (NM_001105077.4); c.2974G>A, p.Val992Met (NM_001105078.4, NM_001205194.2, NM_001366469.2 and 1 more transcripts); c.2950G>A, p.Val984Met (NM_001163999.2, NM_001366470.2); c.2947G>A, p.Val983Met (NM_001164000.2, NM_001366471.2, NM_001366472.2); c.3511G>A, p.Val1171Met (NM_001366466.2); c.2977G>A, p.Val993Met (NM_001366467.2, NM_001366468.2); c.2539G>A, p.Val847Met (NM_001366473.2); and 2 more; short protein forms V1057M, V1180M, V847M, V993M, V659M, V1171M, V983M, V984M.
Identifiers: ClinVar variation 2019201 (VCV002019201.6), dbSNP rs779341348, ClinGen allele CA2695878.